The following is an entry in ClinVar:

NM_014043.4(CHMP2B):c.253A>G (p.Met85Val)

Gene: CHMP2B (charged multivesicular body protein 2B; plus strand). Cytogenetic location: 3p11.2.
Variant type: single nucleotide variant.
Coding change: c.253A>G on transcript NM_014043.4 (MANE Select); coding-DNA position 253, A replaced by G.
Protein change: p.Met85Val; replaces methionine 85 with valine.
Molecular consequence: missense variant.
Genome position (GRCh38, 1-based): chr3:87,245,840, A>G. VCF-style: chr3-87245840-A-G. GRCh37 (hg19) VCF-style: chr3-87294990-A-G.
Other names: c.130A>G, p.Met44Val (NM_001244644.2); c.349A>G, p.Met117Val (NM_001410777.1); short protein forms M117V, M44V, M85V.
Identifiers: ClinVar variation 1716364 (VCV001716364.6), dbSNP rs2471763865, ClinGen allele CA353697013.

ClinVar aggregate classification (germline): Uncertain significance (1 of 4 stars; one submission).

Conditions:
Frontotemporal dementia and/or amyotrophic lateral sclerosis 7 (FTDALS7). Also called: CHMP2B-related frontotemporal dementia; AMYOTROPHIC LATERAL SCLEROSIS, CHMP2B-RELATED; Amyotrophic lateral sclerosis 17; CHMP2B-Related Frontotemporal Dementia-Amyotrophic Lateral Sclerosis. Identifiers: Orphanet 275864, Orphanet 282, Orphanet 803, MedGen C1833296, MONDO:0010936, OMIM 600795.

Submission:

Labcorp Genetics (formerly Invitae), Labcorp
Classification: Uncertain significance for Frontotemporal dementia and/or amyotrophic lateral sclerosis 7. Last evaluated: 2022-10-03. Review status: criteria provided, single submitter. Criteria: Invitae Variant Classification Sherloc (09022015). Collection method: clinical testing. Allele origin: germline.
Comment: In summary, the available evidence is currently insufficient to determine the role of this variant in disease. Therefore, it has been classified as a Variant of Uncertain Significance. Algorithms developed to predict the effect of missense changes on protein structure and function (SIFT, PolyPhen-2, Align-GVGD) all suggest that this variant is likely to be tolerated. This variant has not been reported in the literature in individuals affected with CHMP2B-related conditions. This variant is not present in population databases (gnomAD no frequency). This sequence change replaces methionine, which is neutral and non-polar, with valine, which is neutral and non-polar, at codon 85 of the CHMP2B protein (p.Met85Val).